The following is an entry in ClinVar:

NM_001048174.2(MUTYH):c.1031C>T (p.Ser344Phe)

Gene: MUTYH (mutY DNA glycosylase; minus strand). Cytogenetic location: 1p34.1.
Variant type: single nucleotide variant.
Coding change: c.1031C>T on transcript NM_001048174.2 (MANE Select); coding-DNA position 1031, C replaced by T.
Protein change: p.Ser344Phe; replaces serine 344 with phenylalanine.
Molecular consequence: missense variant. On other transcripts: non-coding transcript variant (2).
Genome position (GRCh38, 1-based): chr1:45,331,732, G>A on the plus strand (C>T on the coding strand, the complement: MUTYH is on the minus strand). VCF-style: chr1-45331732-G-A. GRCh37 (hg19) VCF-style: chr1-45797404-G-A.
Other names: c.1031C>T, p.Ser344Phe (NM_001048171.2, NM_001048173.2, NM_001293195.2); c.1034C>T, p.Ser345Phe (NM_001048172.2); c.1115C>T, p.Ser372Phe (NM_001128425.2); c.1076C>T, p.Ser359Phe (NM_001293190.2); c.1064C>T, p.Ser355Phe (NM_001293191.2); c.755C>T, p.Ser252Phe (NM_001293192.2, NM_001293196.2); c.686C>T, p.Ser229Phe (NM_001350650.2, NM_001350651.2); c.1106C>T, p.Ser369Phe (NM_012222.3); short protein forms S372F, S345F, S252F, S355F, S359F, S369F, S229F, S344F.
Identifiers: ClinVar variation 406844 (VCV000406844.32), dbSNP rs763862261, ClinGen allele CA055147.

ClinVar aggregate classification (germline): Conflicting classifications of pathogenicity. Review status: criteria provided, conflicting classifications (1 of 4 stars). 9 submissions from 9 submitters: Uncertain significance (8); Likely benign (1). Last evaluated 2026-01-13.

Conditions:
Familial adenomatous polyposis 2. Also called: MUTYH Polyposis; FAP type 2; MUTYH-related attenuated familial adenomatous polyposis; MUTYH-associated polyposis; ADENOMAS, MULTIPLE COLORECTAL, AUTOSOMAL RECESSIVE; COLORECTAL ADENOMATOUS POLYPOSIS, AUTOSOMAL RECESSIVE. Identifiers: Orphanet 220460, Orphanet 247798, MedGen C3272841, MONDO:0012041, OMIM 608456.
Hereditary cancer-predisposing syndrome. Also called: Neoplastic Syndromes, Hereditary; Hereditary Cancer Syndrome; Hereditary neoplastic syndrome; Tumor predisposition. Identifiers: Orphanet 140162, MedGen C0027672, MeSH D009386, MONDO:0015356.
Gastric cancer. Also called: Malignant tumor of stomach; Stomach cancer. Identifiers: MedGen C0024623, MeSH D013274, MONDO:0001056, OMIM 613659, HP:0012126.

Allele frequency attached by ClinVar (database versions not stated): gnomAD exomes below 0.00001; ExAC 0.00001.
gnomAD v4.1: 1 of 1,614,200 alleles (0.000062%); highest among the groups gnomAD compares: East Asian, 0.0022%; no homozygotes.

Submissions (9):

Labcorp Genetics (formerly Invitae), Labcorp
Classification: Uncertain significance for Familial adenomatous polyposis 2. Last evaluated: 2026-01-13. Review status: criteria provided, single submitter. Criteria: Invitae Variant Classification Sherloc (09022015). Collection method: clinical testing. Allele origin: germline.
Comment: This sequence change replaces serine, which is neutral and polar, with phenylalanine, which is neutral and non-polar, at codon 372 of the MUTYH protein (p.Ser372Phe). This variant is present in population databases (rs763862261, gnomAD 0.006%). This variant has not been reported in the literature in individuals affected with MUTYH-related conditions. ClinVar contains an entry for this variant (Variation ID: 406844). An algorithm developed to predict the effect of missense changes on protein structure and function (PolyPhen-2) suggests that this variant is likely to be tolerated. In summary, the available evidence is currently insufficient to determine the role of this variant in disease. Therefore, it has been classified as a Variant of Uncertain Significance.

Ambry Genetics
Classification: Likely benign for Hereditary cancer-predisposing syndrome. Last evaluated: 2025-08-19. Review status: criteria provided, single submitter. Criteria: Ambry Variant Classification Scheme 2023. Collection method: clinical testing. Allele origin: germline.

All of Us Research Program, National Institutes of Health
Classification: Uncertain significance for Familial adenomatous polyposis 2. Last evaluated: 2024-04-30. Review status: criteria provided, single submitter. Criteria: ACMG Guidelines, 2015. Collection method: clinical testing. Allele origin: germline. Inheritance: Autosomal recessive inheritance. Observed: 1 variant allele, 1 heterozygote.
Comment: This missense variant replaces serine with phenylalanine at codon 372 of the MUTYH protein. Computational prediction suggests that this variant may not impact protein structure and function (internally defined REVEL score threshold <= 0.5, PMID: 27666373). To our knowledge, functional studies have not been reported for this variant. This variant has been reported in individuals affected with breast cancer (PMID: 29684080, 33471991). This variant has been identified in 1/250516 chromosomes in the general population by the Genome Aggregation Database (gnomAD). The available evidence is insufficient to determine the role of this variant in disease conclusively. Therefore, this variant is classified as a Variant of Uncertain Significance.

This study involves interpretation of variants in research participants for the purpose of population health screening. Participant phenotype was not available at the time of variant classification. Additional details can be found in publication PMID: 35346344, PMCID: PMC8962531

Baylor Genetics
Classification: Uncertain significance for Familial adenomatous polyposis 2. Last evaluated: 2024-03-24. Review status: criteria provided, single submitter. Criteria: ACMG Guidelines, 2015. Collection method: clinical testing. Allele origin: unknown.

Fulgent Genetics
Classification: Uncertain significance for Familial adenomatous polyposis 2; Gastric cancer. Last evaluated: 2024-01-10. Review status: criteria provided, single submitter. Criteria: ACMG Guidelines, 2015. Collection method: clinical testing. Allele origin: germline.

GeneDx
Classification: Uncertain significance. Last evaluated: 2023-08-17. Review status: criteria provided, single submitter. Criteria: GeneDx Variant Classification Process June 2021. Collection method: clinical testing. Allele origin: germline. Affected: yes.
Comment: Not observed at significant frequency in large population cohorts (gnomAD); In silico analysis supports that this missense variant has a deleterious effect on protein structure/function; Reported in an individual with breast cancer in published literature (Yehia et al., 2018); This variant is associated with the following publications: (PMID: 23108399, 29684080)

Color Diagnostics, LLC DBA Color Health
Classification: Uncertain significance for Hereditary cancer-predisposing syndrome. Last evaluated: 2023-07-12. Review status: criteria provided, single submitter. Criteria: ACMG Guidelines, 2015. Collection method: clinical testing. Allele origin: germline.
Comment: This missense variant replaces serine with phenylalanine at codon 372 of the MUTYH protein. Computational prediction suggests that this variant may not impact protein structure and function (internally defined REVEL score threshold <= 0.5, PMID: 27666373). To our knowledge, functional studies have not been reported for this variant. This variant has been reported in individuals affected with breast cancer (PMID: 29684080, 33471991). This variant has been identified in 1/250516 chromosomes in the general population by the Genome Aggregation Database (gnomAD). The available evidence is insufficient to determine the role of this variant in disease conclusively. Therefore, this variant is classified as a Variant of Uncertain Significance.

Women's Health and Genetics/Laboratory Corporation of America, LabCorp
Classification: Uncertain significance. Last evaluated: 2021-07-19. Review status: criteria provided, single submitter. Criteria: LabCorp Variant Classification Summary - May 2015. Collection method: clinical testing. Allele origin: germline.
Comment: Variant summary: MUTYH c.1115C>T (p.Ser372Phe) results in a non-conservative amino acid change located in the NUDIX hydrolase domain (IPR000086) of the encoded protein sequence. Three of five in-silico tools predict a benign effect of the variant on protein function. The variant allele was found at a frequency of 4e-06 in 250516 control chromosomes. The available data on variant occurrences in the general population are insufficient to allow any conclusion about variant significance. To our knowledge, no occurrence of c.1115C>T in individuals affected with MUTYH-Associated Polyposis and no experimental evidence demonstrating its impact on protein function have been reported. Four clinical diagnostic laboratories have submitted clinical-significance assessments for this variant to ClinVar after 2014 without evidence for independent evaluation. All laboratories classified the variant as uncertain significance. Based on the evidence outlined above, the variant was classified as uncertain significance.

Laboratory for Molecular Medicine, Mass General Brigham Personalized Medicine
Classification: Uncertain significance. Last evaluated: 2017-03-20. Review status: criteria provided, single submitter. Criteria: LMM Criteria. Collection method: clinical testing. Allele origin: germline. Observed: 1 variant allele.
Comment: The p.Ser372Phe variant in MUTYH has not been previously reported in the literat ure, but has been reported in ClinVar (Variation ID 406844). It has also been id entified in 1/17244 of East Asian chromosomes by the Genome Aggregation Database (gnomAD; dbSNP rs763862261). Although this va riant has been seen in the general population, its frequency is not high enough to rule out a pathogenic role. Serine (Ser) at position 372 is not conserved in mammals or evolutionarily distant species, raising the possibility that a change at this position may be tolerated. Additionally, computational prediction tools do not provide strong support for or against an impact to the protein. In summa ry, the clinical significance of the p.Ser372Phe variant is uncertain.

Literature cited by the submitters: PubMed 31422818 (cited by Ambry Genetics); PubMed 40738107 (cited by Ambry Genetics); PubMed 29684080 (cited by All of Us Research Program, National Institutes of Health and Color Diagnostics, LLC DBA Color Health); PubMed 33471991 (cited by All of Us Research Program, National Institutes of Health and Color Diagnostics, LLC DBA Color Health).